The following is an entry in ClinVar:

NM_005557.4(KRT16):c.637C>T (p.Arg213Trp)

Gene: KRT16 (keratin 16; minus strand). Cytogenetic location: 17q21.2.
Variant type: single nucleotide variant.
Coding change: c.637C>T on transcript NM_005557.4 (MANE Select); coding-DNA position 637, C replaced by T.
Protein change: p.Arg213Trp; replaces arginine 213 with tryptophan.
Molecular consequence: missense variant.
Genome position (GRCh38, 1-based): chr17:41,611,479, G>A on the plus strand (C>T on the coding strand, the complement: KRT16 is on the minus strand). VCF-style: chr17-41611479-G-A. GRCh37 (hg19) VCF-style: chr17-39767731-G-A.
Other names: short protein forms R213W.
Identifiers: ClinVar variation 735543 (VCV000735543.12), dbSNP rs148173278, ClinGen allele CA8563172.

ClinVar aggregate classification (germline): Benign. Review status: criteria provided, single submitter (1 of 4 stars). 2 submissions from 2 submitters: Benign (1). 1 of the submissions does not count toward it. Last evaluated 2024-07-29.

Conditions:
KRT16-related disorder. Also called: KRT16-related condition.

Allele frequency attached by ClinVar (database versions not stated): ESP Exome Variant Server 0.00269; gnomAD exomes 0.00060; 1000 Genomes Project 30x 0.00234; ExAC 0.00072; 1000 Genomes Project 0.00200; TOPMed 0.00226.
gnomAD v4.1: 722 of 1,614,018 alleles (0.045%); highest among the groups gnomAD compares: African/African-American, 0.65%; 3 homozygotes.

Submissions (2):

Labcorp Genetics (formerly Invitae), Labcorp
Classification: Benign. Last evaluated: 2024-07-29. Review status: criteria provided, single submitter. Criteria: Invitae Variant Classification Sherloc (09022015). Collection method: clinical testing. Allele origin: germline.

PreventionGenetics, part of Exact Sciences
Classification: Benign for KRT16-related condition. Last evaluated: 2019-10-18. Review status: no assertion criteria provided. Collection method: clinical testing. Allele origin: germline. Not counted in ClinVar's aggregate classification.
Comment: This variant is classified as benign based on ACMG/AMP sequence variant interpretation guidelines (Richards et al. 2015 PMID: 25741868, with internal and published modifications).